The following is an entry in ClinVar:

NM_032578.4(MYPN):c.2008G>A (p.Val670Ile)

Gene: MYPN (myopalladin; plus strand). Cytogenetic location: 10q21.3.
Variant type: single nucleotide variant.
Coding change: c.2008G>A on transcript NM_032578.4 (MANE Select); coding-DNA position 2008, G replaced by A.
Protein change: p.Val670Ile; replaces valine 670 with isoleucine.
Molecular consequence: missense variant. On other transcripts: non-coding transcript variant (2).
Genome position (GRCh38, 1-based): chr10:68,174,100, G>A. VCF-style: chr10-68174100-G-A. GRCh37 (hg19) VCF-style: chr10-69933857-G-A.
Other names: c.2008G>A, p.Val670Ile (NM_001256267.2); c.1126G>A, p.Val376Ile (NM_001256268.2); short protein forms V376I, V670I.
Identifiers: ClinVar variation 858542 (VCV000858542.9), dbSNP rs1331409608, ClinGen allele CA376843293.

ClinVar aggregate classification (germline): Uncertain significance (1 of 4 stars; one submission).

Conditions:
Dilated cardiomyopathy 1KK (CMD1KK). Identifiers: Orphanet 154, Orphanet 75249, MedGen C3714995, MONDO:0014100, OMIM 615248.

Allele frequency attached by ClinVar (database versions not stated): gnomAD exomes 0.00001; TOPMed 0.00001.
gnomAD v4.1: 3 of 1,614,034 alleles (0.00019%); highest among the groups gnomAD compares: Admixed American, 0.005%; no homozygotes.

Submission:

Labcorp Genetics (formerly Invitae), Labcorp
Classification: Uncertain significance for Dilated cardiomyopathy 1KK. Last evaluated: 2026-01-14. Review status: criteria provided, single submitter. Criteria: Invitae Variant Classification Sherloc (09022015). Collection method: clinical testing. Allele origin: germline.
Comment: This sequence change replaces valine, which is neutral and non-polar, with isoleucine, which is neutral and non-polar, at codon 670 of the MYPN protein (p.Val670Ile). This variant is present in population databases (no rsID available, gnomAD 0.009%). This variant has not been reported in the literature in individuals affected with MYPN-related conditions. ClinVar contains an entry for this variant (Variation ID: 858542). An algorithm developed to predict the effect of missense changes on protein structure and function (PolyPhen-2) suggests that this variant is likely to be disruptive. In summary, the available evidence is currently insufficient to determine the role of this variant in disease. Therefore, it has been classified as a Variant of Uncertain Significance.